The following is an entry in ClinVar:

ClinVar aggregate classification (germline): Uncertain significance (1 of 4 stars; one submission).

Conditions:
MHC class II deficiency. Also called: Bare lymphocyte syndrome 2; BLS, TYPE II. Identifiers: Orphanet 572, MedGen C5447452, MONDO:0008855.

Allele frequency attached by ClinVar (database versions not stated): gnomAD exomes below 0.00001; gnomAD 0.00001; TOPMed 0.00002.
gnomAD v4.1: 4 of 1,568,132 alleles (0.00026%); highest among the groups gnomAD compares: Non-Finnish European, 0.00035%; no homozygotes.

Submission:

Labcorp Genetics (formerly Invitae), Labcorp
Classification: Uncertain significance for MHC class II deficiency. Last evaluated: 2021-09-17. Review status: criteria provided, single submitter. Criteria: Invitae Variant Classification Sherloc (09022015). Collection method: clinical testing. Allele origin: germline.
Comment: This sequence change replaces histidine with aspartic acid at codon 824 of the CIITA protein (p.His824Asp). The histidine residue is highly conserved and there is a moderate physicochemical difference between histidine and aspartic acid. This variant is not present in population databases (ExAC no frequency). This variant has not been reported in the literature in individuals with CIITA-related conditions. Algorithms developed to predict the effect of missense changes on protein structure and function (SIFT, PolyPhen-2, Align-GVGD) all suggest that this variant is likely to be tolerated, but these predictions have not been confirmed by published functional studies and their clinical significance is uncertain. In summary, the available evidence is currently insufficient to determine the role of this variant in disease. Therefore, it has been classified as a Variant of Uncertain Significance.

NM_000246.4(CIITA):c.2470C>G (p.His824Asp)

Gene: CIITA (class II major histocompatibility complex transactivator; plus strand). Cytogenetic location: 16p13.13.
Variant type: single nucleotide variant.
Coding change: c.2470C>G on transcript NM_000246.4 (MANE Select); coding-DNA position 2470, C replaced by G.
Protein change: p.His824Asp; replaces histidine 824 with aspartic acid.
Molecular consequence: missense variant. On other transcripts: intron variant (1).
Genome position (GRCh38, 1-based): chr16:10,907,962, C>G. VCF-style: chr16-10907962-C-G. GRCh37 (hg19) VCF-style: chr16-11001819-C-G.
Other names: c.2473C>G, p.His825Asp (NM_001286402.1, NM_001379332.1); c.2326C>G, p.His776Asp (NM_001379330.1); c.2323C>G, p.His775Asp (NM_001379331.1); c.2470C>G, p.His824Asp (NM_001379333.1); c.2401C>G, p.His801Asp (NM_001379334.1); c.860-1021C>G (NM_001286403.2); short protein forms H775D, H801D, H825D, H776D, H824D.
Identifiers: ClinVar variation 1357947 (VCV001357947.5), dbSNP rs1156383695, ClinGen allele CA394733694.